The following is an entry in ClinVar:

ClinVar aggregate classification (germline): Uncertain significance (1 of 4 stars; one submission).

Conditions:
Congenital myopathy with internal nuclei and atypical cores. Also called: Myopathy, centronuclear, 4. Identifiers: Orphanet 319160, MedGen C4707232, MONDO:0013890, OMIM 614807.

gnomAD v4.1: 2 of 1,611,854 alleles (0.00012%); highest among the groups gnomAD compares: Non-Finnish European, 0.00017%; no homozygotes.

Submission:

Labcorp Genetics (formerly Invitae), Labcorp
Classification: Uncertain significance for Congenital myopathy with internal nuclei and atypical cores. Last evaluated: 2026-01-09. Review status: criteria provided, single submitter. Criteria: Invitae Variant Classification Sherloc (09022015). Collection method: clinical testing. Allele origin: germline.
Comment: This sequence change creates a premature translational stop signal (p.Gly104*) in the CCDC78 gene. It is expected to result in an absent or disrupted protein product. However, the current clinical and genetic evidence is not sufficient to establish whether loss-of-function variants in CCDC78 cause disease. The frequency data for this variant in the population databases is considered unreliable, as metrics indicate poor data quality at this position in the gnomAD database. This variant has not been reported in the literature in individuals affected with CCDC78-related conditions. ClinVar contains an entry for this variant (Variation ID: 2966592). In summary, the available evidence is currently insufficient to determine the role of this variant in disease. Therefore, it has been classified as a Variant of Uncertain Significance.

NM_001378030.1(CCDC78):c.310G>T (p.Gly104Ter)

Gene: CCDC78 (coiled-coil domain containing 78; minus strand). Cytogenetic location: 16p13.3.
Variant type: single nucleotide variant.
Coding change: c.310G>T on transcript NM_001378030.1 (MANE Select); coding-DNA position 310, G replaced by T.
Protein change: p.Gly104Ter; replaces glycine 104 with a stop codon.
Molecular consequence: nonsense. On other transcripts: non-coding transcript variant (5), intron variant (1).
Genome position (GRCh38, 1-based): chr16:725,538, C>A on the plus strand (G>T on the coding strand, the complement: CCDC78 is on the minus strand). VCF-style: chr16-725538-C-A. GRCh37 (hg19) VCF-style: chr16-775538-C-A.
Other names: c.310G>T, p.Gly104Ter (NM_001031737.3, NM_001378031.1); c.-18-245G>T (NM_001378033.1); short protein forms G104*.
Identifiers: ClinVar variation 2966592 (VCV002966592.3), dbSNP rs1156280950, ClinGen allele CA394103827.